The following is an entry in ClinVar:

ClinVar aggregate classification (germline): Pathogenic. Review status: criteria provided, multiple submitters, no conflicts (2 of 4 stars). 2 submissions from 2 submitters: Pathogenic (2). Last evaluated 2024-12-10.

Conditions:
Episodic ataxia type 2 (EA2). Also called: ACETAZOLAMIDE-RESPONSIVE HEREDITARY PAROXYSMAL CEREBELLAR ATAXIA; EPISODIC ATAXIA, NYSTAGMUS-ASSOCIATED; ATAXIA, EPISODIC, WITH NYSTAGMUS; ATAXIA, FAMILIAL PAROXYSMAL; CEREBELLAR ATAXIA, PAROXYSMAL, ACETAZOLAMIDE-RESPONSIVE; CEREBELLOPATHY, HEREDITARY PAROXYSMAL. Identifiers: Orphanet 97, MedGen C1720416, MONDO:0007163, OMIM 108500.

Submissions (2):

GeneDx
Classification: Pathogenic. Last evaluated: 2024-12-10. Review status: criteria provided, single submitter. Criteria: GeneDx Variant Classification Process June 2021. Collection method: clinical testing. Allele origin: germline. Affected: yes.
Comment: Nonsense variant predicted to result in protein truncation or nonsense mediated decay in a gene for which loss of function is a known mechanism of disease; Not observed at significant frequency in large population cohorts (gnomAD); Has not been previously published as pathogenic or benign to our knowledge

Baylor Genetics
Classification: Pathogenic for Episodic ataxia type 2. Last evaluated: 2018-11-29. Review status: criteria provided, single submitter. Criteria: ACMG Guidelines, 2015. Collection method: clinical testing. Allele origin: paternal. Affected: yes.
Comment: This variant was determined to be pathogenic according to ACMG Guidelines, 2015 [PMID:25741868].

NM_001127222.2(CACNA1A):c.2482C>T (p.Gln828Ter)

Gene: CACNA1A (calcium voltage-gated channel subunit alpha1 A; minus strand). Cytogenetic location: 19p13.13.
Variant type: single nucleotide variant.
Coding change: c.2482C>T on transcript NM_001127222.2 (MANE Select); coding-DNA position 2482, C replaced by T.
Protein change: p.Gln828Ter; replaces glutamine 828 with a stop codon.
Molecular consequence: nonsense.
Genome position (GRCh38, 1-based): chr19:13,299,151, G>A on the plus strand (C>T on the coding strand, the complement: CACNA1A is on the minus strand). VCF-style: chr19-13299151-G-A. GRCh37 (hg19) VCF-style: chr19-13409965-G-A.
Other names: c.2494C>T, p.Gln832Ter (NM_000068.4, NM_023035.3); c.2485C>T, p.Gln829Ter (NM_001127221.2, NM_001174080.2); short protein forms Q828*, Q829*, Q832*.
Identifiers: ClinVar variation 1033712 (VCV001033712.2), dbSNP rs2057736834, ClinGen allele CA404343358.